The following is an entry in ClinVar:

ClinVar aggregate classification (germline): Uncertain significance (1 of 4 stars; one submission).

Conditions:
Nemaline myopathy 2 (NEM2). Also called: Nemaline myopathy 2, autosomal recessive. Identifiers: MedGen C1850569, MONDO:0009725, OMIM 256030.

Allele frequency attached by ClinVar (database versions not stated): gnomAD exomes below 0.00001; ExAC 0.00001.

Submission:

Labcorp Genetics (formerly Invitae), Labcorp
Classification: Uncertain significance for Nemaline myopathy 2. Last evaluated: 2021-08-28. Review status: criteria provided, single submitter. Criteria: Invitae Variant Classification Sherloc (09022015). Collection method: clinical testing. Allele origin: germline.
Comment: This sequence change replaces glycine with arginine at codon 8338 of the NEB protein (p.Gly8338Arg). The glycine residue is moderately conserved and there is a moderate physicochemical difference between glycine and arginine. This variant is present in population databases (rs780925059, ExAC 0.009%). This variant has not been reported in the literature in individuals affected with NEB-related conditions. Algorithms developed to predict the effect of missense changes on protein structure and function are either unavailable or do not agree on the potential impact of this missense change (SIFT: "Deleterious"; PolyPhen-2: "Not Available"; Align-GVGD: "Class C0"). In summary, the available evidence is currently insufficient to determine the role of this variant in disease. Therefore, it has been classified as a Variant of Uncertain Significance.

NM_001164508.2(NEB):c.24907G>C (p.Gly8303Arg)

Genes: NEB (nebulin; minus strand), RIF1 (replication timing regulatory factor 1; plus strand). Cytogenetic location: 2q23.3.
Variant type: single nucleotide variant.
Coding change: c.24907G>C on transcript NM_001164508.2 (MANE Select); coding-DNA position 24907, G replaced by C.
Protein change: p.Gly8303Arg; replaces glycine 8303 with arginine.
Molecular consequence: missense variant.
Genome position (GRCh38, 1-based): chr2:151,492,248, C>G on the plus strand (G>C on the coding strand, the complement: NEB is on the minus strand). VCF-style: chr2-151492248-C-G. GRCh37 (hg19) VCF-style: chr2-152348762-C-G.
Other names: c.24907G>C, p.Gly8303Arg (NM_001164507.2); c.25012G>C, p.Gly8338Arg (NM_001271208.2); c.19339G>C, p.Gly6447Arg (NM_004543.5); short protein forms G8303R, G6447R, G8338R.
Identifiers: ClinVar variation 950218 (VCV000950218.6), dbSNP rs780925059, ClinGen allele CA1905866.